The following is an entry in ClinVar:

NM_004599.4(SREBF2):c.1521C>T (p.His507=)

Gene: SREBF2 (sterol regulatory element binding transcription factor 2; plus strand). Cytogenetic location: 22q13.2.
Variant type: single nucleotide variant.
Coding change: c.1521C>T on transcript NM_004599.4 (MANE Select); coding-DNA position 1521, C replaced by T.
Protein change: p.His507=; no amino-acid change (histidine 507 retained).
Molecular consequence: synonymous variant. On other transcripts: non-coding transcript variant (1).
Genome position (GRCh38, 1-based): chr22:41,877,363, C>T. VCF-style: chr22-41877363-C-T. GRCh37 (hg19) VCF-style: chr22-42273367-C-T.
Identifiers: ClinVar variation 3350683 (VCV003350683.1).

ClinVar aggregate classification (germline): Likely benign (0 of 4 stars; one submission).

Conditions:
SREBF2-related disorder. Also called: SREBF2-related condiiton.

gnomAD v4.1: 34 of 1,614,128 alleles (0.0021%); highest among the groups gnomAD compares: South Asian, 0.015%; 1 homozygote.

Submission:

PreventionGenetics, part of Exact Sciences
Classification: Likely benign for SREBF2-related condition. Last evaluated: 2024-09-19. Review status: no assertion criteria provided. Collection method: clinical testing. Allele origin: germline.
Comment: This variant is classified as likely benign based on ACMG/AMP sequence variant interpretation guidelines (Richards et al. 2015 PMID: 25741868, with internal and published modifications).